The following is an entry in ClinVar:

ClinVar aggregate classification (germline): Uncertain significance (1 of 4 stars; one submission).

gnomAD v4.1: 2 of 1,604,592 alleles (0.00012%); highest among the groups gnomAD compares: Admixed American, 0.0017%; no homozygotes.

Submission:

Labcorp Genetics (formerly Invitae), Labcorp
Classification: Uncertain significance. Last evaluated: 2025-06-03. Review status: criteria provided, single submitter. Criteria: Invitae Variant Classification Sherloc (09022015). Collection method: clinical testing. Allele origin: germline.
Comment: This sequence change replaces leucine, which is neutral and non-polar, with proline, which is neutral and non-polar, at codon 215 of the ERBB2 protein (p.Leu215Pro). This variant is not present in population databases (gnomAD no frequency). This variant has not been reported in the literature in individuals affected with ERBB2-related conditions. An algorithm developed to predict the effect of missense changes on protein structure and function (PolyPhen-2) suggests that this variant is likely to be disruptive. In summary, the available evidence is currently insufficient to determine the role of this variant in disease. Therefore, it has been classified as a Variant of Uncertain Significance.

NM_004448.4(ERBB2):c.644T>C (p.Leu215Pro)

Gene: ERBB2 (erb-b2 receptor tyrosine kinase 2; plus strand). Cytogenetic location: 17q12.
Variant type: single nucleotide variant.
Coding change: c.644T>C on transcript NM_004448.4 (MANE Select); coding-DNA position 644, T replaced by C.
Protein change: p.Leu215Pro; replaces leucine 215 with proline.
Molecular consequence: missense variant. On other transcripts: non-coding transcript variant (1), intron variant (2).
Genome position (GRCh38, 1-based): chr17:39,710,086, T>C. VCF-style: chr17-39710086-T-C. GRCh37 (hg19) VCF-style: chr17-37866339-T-C.
Other names: c.554T>C, p.Leu185Pro (NM_001005862.3, NM_001289938.2, NM_001382782.1 and 1 more transcripts); c.599T>C, p.Leu200Pro (NM_001289936.2); c.644T>C, p.Leu215Pro (NM_001289937.2, NM_001382784.1, NM_001382785.1 and 16 more transcripts); c.719T>C, p.Leu240Pro (NM_001382787.1); c.635T>C, p.Leu212Pro (NM_001382791.1); c.464T>C, p.Leu155Pro (NM_001382799.1); c.643+205T>C (NM_001382802.1); c.74-1842T>C (NM_001382804.1); short protein forms L200P, L215P, L240P, L155P, L212P, L185P.
Identifiers: ClinVar variation 4751185 (VCV004751185.1).